The following is an entry in ClinVar:

NM_015909.4(NBAS):c.288-1G>A

Gene: NBAS (NBAS subunit of NRZ tethering complex; minus strand). Cytogenetic location: 2p24.3.
Variant type: single nucleotide variant.
Coding change: c.288-1G>A on transcript NM_015909.4 (MANE Select); the canonical splice acceptor site of the intron before coding-DNA position 288, G replaced by A.
Molecular consequence: splice acceptor variant.
Genome position (GRCh38, 1-based): chr2:15,553,474, C>T on the plus strand (G>A on the coding strand, the complement: NBAS is on the minus strand). VCF-style: chr2-15553474-C-T. GRCh37 (hg19) VCF-style: chr2-15693598-C-T.
Identifiers: ClinVar variation 2033574 (VCV002033574.4), dbSNP rs1403601001, ClinGen allele CA345892867.
Genomic context (GRCh38, chr2:15,553,474, plus strand): 5'-ATTAACAATTACCTGATTTCCACACACTGATCTTGAACAGCAGCCAAAAGCTTTCCATTG[C>T]TTTTATGGAGAAGAAAGAGGGGGAAGAAAATCTATTATGAATATCTATAGCAGTTTTCAG-3'

ClinVar aggregate classification (germline): Likely pathogenic (1 of 4 stars; one submission).

Allele frequency attached by ClinVar (database versions not stated): gnomAD exomes 0.00001.
gnomAD v4.1: 14 of 1,609,972 alleles (0.00087%); highest among the groups gnomAD compares: Non-Finnish European, 0.0011%; no homozygotes.

Submission:

Labcorp Genetics (formerly Invitae), Labcorp
Classification: Likely pathogenic. Last evaluated: 2022-10-01. Review status: criteria provided, single submitter. Criteria: Invitae Variant Classification Sherloc (09022015). Collection method: clinical testing. Allele origin: germline.
Comment: This sequence change affects an acceptor splice site in intron 4 of the NBAS gene. It is expected to disrupt RNA splicing. Variants that disrupt the donor or acceptor splice site typically lead to a loss of protein function (PMID: 16199547), and loss-of-function variants in NBAS are known to be pathogenic (PMID: 26073778, 26541327, 27789416, 28031453). In summary, the currently available evidence indicates that the variant is pathogenic, but additional data are needed to prove that conclusively. Therefore, this variant has been classified as Likely Pathogenic. Algorithms developed to predict the effect of sequence changes on RNA splicing suggest that this variant may disrupt the consensus splice site. This variant has not been reported in the literature in individuals affected with NBAS-related conditions. This variant is present in population databases (no rsID available, gnomAD 0.0009%).

Literature cited by the submitters: PubMed 16199547; PubMed 26073778; PubMed 26541327; PubMed 27789416; PubMed 28031453.